The following is an entry in ClinVar:

NM_001754.5(RUNX1):c.1256T>C (p.Val419Ala)

Gene: RUNX1 (RUNX family transcription factor 1; minus strand). Cytogenetic location: 21q22.12.
Variant type: single nucleotide variant.
Coding change: c.1256T>C on transcript NM_001754.5 (MANE Select); coding-DNA position 1256, T replaced by C.
Protein change: p.Val419Ala; replaces valine 419 with alanine.
Molecular consequence: missense variant.
Genome position (GRCh38, 1-based): chr21:34,792,322, A>G on the plus strand (T>C on the coding strand, the complement: RUNX1 is on the minus strand). VCF-style: chr21-34792322-A-G. GRCh37 (hg19) VCF-style: chr21-36164619-A-G.
Other names: NM_001754.5(RUNX1):c.1256T>C; p.Val419Ala; c.1175T>C, p.Val392Ala (NM_001001890.3); short protein forms V392A, V419A.
Identifiers: ClinVar variation 860793 (VCV000860793.8), dbSNP rs2056452215, ClinGen allele CA410147622.

ClinVar aggregate classification (germline): Uncertain significance. Review status: reviewed by expert panel (3 of 4 stars). 2 submissions from 2 submitters: Uncertain significance (1). 1 of the submissions does not count toward it. Last evaluated 2024-09-30.

Conditions:
Hereditary thrombocytopenia and hematologic cancer predisposition syndrome. Identifiers: Orphanet 71290, MedGen CN281654, MONDO:0011071.
Hereditary thrombocytopenia and hematological cancer predisposition syndrome associated with RUNX1. Also called: RUNX1 Familial Platelet Disorder with Associated Myeloid Malignancies; PLATELET DISORDER, ASPIRIN-LIKE; Familial Platelet Disorder with Propensity to Acute Myelogenous Leukemia; Familial thrombocytopenia with propensity to acute myelogenous leukemia. Identifiers: Orphanet 71290, MedGen C1832388, MeSH C563324, MONDO:0100083, OMIM 601399.

Submissions (2):

ClinGen Myeloid Malignancy Variant Curation Expert Panel
Classification: Uncertain significance for Hereditary thrombocytopenia and hematologic cancer predisposition syndrome. Last evaluated: 2024-09-30. Review status: reviewed by expert panel. Criteria: ClinGen MyeloMalig ACMG Specifications v2. Collection method: curation. Allele origin: germline. Inheritance: Autosomal dominant inheritance.
Comment: NM_001754.5(RUNX1):c.1256T>C (p.Val419Ala) is a missense variant which has a REVEL score < 0.50 (0.082), and a SpliceAI score ≤ 0.20 (0.0) (BP4). This variant is completely absent from all population databases with at least 20x coverage for RUNX1 (PM2_Supporting). In summary, the clinical significance of this variant is uncertain. ACMG/AMP criteria applied, as specified by the Myeloid Malignancy Variant Curation Expert Panel for RUNX1: BP4, PM2_supporting.

Labcorp Genetics (formerly Invitae), Labcorp
Classification: Uncertain significance for Hereditary thrombocytopenia and hematological cancer predisposition syndrome associated with RUNX1. Last evaluated: 2021-12-09. Review status: criteria provided, single submitter. Criteria: Invitae Variant Classification Sherloc (09022015). Collection method: clinical testing. Allele origin: germline. Not counted in ClinVar's aggregate classification.
Comment: In summary, the available evidence is currently insufficient to determine the role of this variant in disease. Therefore, it has been classified as a Variant of Uncertain Significance. Algorithms developed to predict the effect of missense changes on protein structure and function (SIFT, PolyPhen-2, Align-GVGD) all suggest that this variant is likely to be tolerated. ClinVar contains an entry for this variant (Variation ID: 860793). This variant has not been reported in the literature in individuals affected with RUNX1-related conditions. This variant is not present in population databases (gnomAD no frequency). This sequence change replaces valine, which is neutral and non-polar, with alanine, which is neutral and non-polar, at codon 419 of the RUNX1 protein (p.Val419Ala).